The following is an entry in ClinVar:

ClinVar aggregate classification (germline): Uncertain significance (1 of 4 stars; one submission).

Submission:

GeneDx
Classification: Uncertain significance. Last evaluated: 2026-01-21. Review status: criteria provided, single submitter. Criteria: GeneDx Variant Classification Process June 2021. Collection method: clinical testing. Allele origin: germline.
Comment: Not observed at significant frequency in large population cohorts (gnomAD); In silico analysis supports that this missense variant has a deleterious effect on protein structure/function; Has not been previously published as pathogenic or benign to our knowledge; This variant is associated with the following publications: (PMID: 19926015)

NM_001035.3(RYR2):c.4706G>A (p.Gly1569Glu)

Gene: RYR2 (ryanodine receptor 2; plus strand). Cytogenetic location: 1q43.
Variant type: single nucleotide variant.
Coding change: c.4706G>A on transcript NM_001035.3 (MANE Select); coding-DNA position 4706, G replaced by A.
Protein change: p.Gly1569Glu; replaces glycine 1569 with glutamic acid.
Molecular consequence: missense variant.
Genome position (GRCh38, 1-based): chr1:237,610,784, G>A. VCF-style: chr1-237610784-G-A. GRCh37 (hg19) VCF-style: chr1-237774084-G-A.
Other names: short protein forms G1569E.
Identifiers: ClinVar variation 3384424 (VCV003384424.2).